The following is an entry in ClinVar:

ClinVar aggregate classification (germline): Benign/Likely benign. Review status: criteria provided, multiple submitters, no conflicts (2 of 4 stars). 17 submissions from 17 submitters: Benign (5); Likely benign (12). Last evaluated 2026-09-01.

Conditions:
Hereditary cancer-predisposing syndrome. Also called: Hereditary neoplastic syndrome; Tumor predisposition; Neoplastic Syndromes, Hereditary; Hereditary Cancer Syndrome. Identifiers: Orphanet 140162, MedGen C0027672, MeSH D009386, MONDO:0015356.
Peutz-Jeghers syndrome (PJS). Also called: POLYPOSIS, HAMARTOMATOUS INTESTINAL; POLYPS-AND-SPOTS SYNDROME; Peutz-Jeghers polyposis; Periorificial lentiginosis syndrome. Identifiers: Orphanet 2869, MedGen C0031269, MeSH D010580, MONDO:0008280, OMIM 175200.

Allele frequency attached by ClinVar (database versions not stated): ExAC 0.00006; gnomAD exomes 0.00007 and 0.00026; gnomAD 0.00052 and 0.00053; TOPMed 0.00070.
gnomAD v4.1: 174 of 1,555,346 alleles (0.011%); highest among the groups gnomAD compares: Admixed American, 0.22%; no homozygotes.

Submissions (17):

CeGaT Center for Human Genetics Tuebingen
Classification: Likely benign. Last evaluated: 2026-09-01. Review status: criteria provided, single submitter. Criteria: CeGaT Center For Human Genetics Tuebingen Variant Classification Criteria Version 2. Collection method: clinical testing. Allele origin: germline. Affected: yes. Observed: 2 variant alleles.
Comment: STK11: BP4, BP7, BS1

Labcorp Genetics (formerly Invitae), Labcorp
Classification: Benign for Peutz-Jeghers syndrome. Last evaluated: 2026-02-02. Review status: criteria provided, single submitter. Criteria: Invitae Variant Classification Sherloc (09022015). Collection method: clinical testing. Allele origin: germline.

Myriad Genetics, Inc.
Classification: Benign for Peutz-Jeghers syndrome. Last evaluated: 2025-03-26. Review status: criteria provided, single submitter. Criteria: Myriad Autosomal Dominant, Autosomal Recessive and X-Linked Classification Criteria (2023). Collection method: clinical testing. Allele origin: unknown.
Comment: This variant is considered benign. This variant is a silent/synonymous amino acid change and it is not expected to impact splicing.

Center for Genomic Medicine, Rigshospitalet, Copenhagen University Hospital
Classification: Likely benign. Last evaluated: 2025-03-04. Review status: criteria provided, single submitter. Criteria: ACMG Guidelines, 2015. Collection method: clinical testing. Allele origin: germline.

Blueprint Genetics
Classification: Likely benign. Last evaluated: 2024-08-27. Review status: criteria provided, single submitter. Criteria: ACMG Guidelines, 2015. Collection method: clinical testing. Allele origin: germline.

Department of Pathology and Laboratory Medicine, Sinai Health System
Classification: Likely benign for Peutz-Jeghers syndrome. Last evaluated: 2024-06-19. Review status: criteria provided, single submitter. Criteria: ACMG Guidelines, 2015. Collection method: clinical testing. Allele origin: germline. Affected: yes.

Quest Diagnostics Nichols Institute San Juan Capistrano
Classification: Benign. Last evaluated: 2023-05-16. Review status: criteria provided, single submitter. Criteria: Quest Diagnostics criteria. Collection method: clinical testing. Allele origin: unknown.

ARUP Laboratories, Molecular Genetics and Genomics, ARUP Laboratories
Classification: Likely benign. Last evaluated: 2022-01-26. Review status: criteria provided, single submitter. Criteria: ARUP Molecular Germline Variant Investigation Process 2021. Collection method: clinical testing. Allele origin: germline.

Genome-Nilou Lab
Classification: Likely benign for Peutz-Jeghers syndrome. Last evaluated: 2021-07-15. Review status: criteria provided, single submitter. Criteria: ACMG Guidelines, 2015. Collection method: clinical testing. Allele origin: germline. Affected: no.

Sema4
Classification: Benign for Hereditary cancer-predisposing syndrome. Last evaluated: 2020-11-01. Review status: criteria provided, single submitter. Criteria: Sema4 Curation Guidelines. Collection method: curation. Allele origin: germline.

Mendelics
Classification: Likely benign for Peutz-Jeghers syndrome. Last evaluated: 2019-05-28. Review status: criteria provided, single submitter. Criteria: Mendelics Assertion Criteria 2017. Collection method: clinical testing. Allele origin: unknown.

PreventionGenetics, part of Exact Sciences
Classification: Likely benign. Last evaluated: 2017-08-11. Review status: criteria provided, single submitter. Criteria: ACMG Guidelines, 2015. Collection method: clinical testing. Allele origin: germline.

Women's Health and Genetics/Laboratory Corporation of America, LabCorp
Classification: Likely benign. Last evaluated: 2017-01-19. Review status: criteria provided, single submitter. Criteria: LabCorp Variant Classification Summary - May 2015. Collection method: clinical testing. Allele origin: germline.
Comment: Variant summary: The STK11 c.426C>T (p.Ser142Ser) variant involves the alteration of a non-conserved nucleotide, resulting in a synonymous change. One in silico tool predicts a damaging outcome for this variant. 5/5 splice prediction tools predict no significant impact on normal splicing. ESE finder predicts that this variant may affect ESE sites. However, these predictions have yet to be confirmed by functional studies. This variant was found in 3/50790 control chromosomes at a frequency of 0.0000591, which is approximately 9 times the estimated maximal expected allele frequency of a pathogenic STK11 variant (0.0000063), suggesting this variant is likely a benign polymorphism. In addition, multiple clinical diagnostic laboratories/reputable databases classified this variant as likely benign. Taken together, this variant is classified as likely benign.

Color Diagnostics, LLC DBA Color Health
Classification: Likely benign for Hereditary cancer-predisposing syndrome. Last evaluated: 2016-02-10. Review status: criteria provided, single submitter. Criteria: ACMG Guidelines, 2015. Collection method: clinical testing. Allele origin: germline.

GeneDx
Classification: Benign. Last evaluated: 2015-03-03. Review status: criteria provided, single submitter. Criteria: GeneDx Variant Classification Process June 2021. Collection method: clinical testing. Allele origin: germline. Affected: yes.

Ambry Genetics
Classification: Likely benign for Hereditary cancer-predisposing syndrome. Last evaluated: 2014-09-02. Review status: criteria provided, single submitter. Criteria: Ambry Variant Classification Scheme 2023. Collection method: clinical testing. Allele origin: germline.

Breakthrough Genomics
Classification: Likely benign. Review status: criteria provided, single submitter. Criteria: ACMG Guidelines, 2015. Collection method: not provided. Allele origin: germline. Inheritance: Autosomal dominant inheritance. Affected: yes.

Literature cited by the submitters: PubMed 25303977 (cited by Women's Health and Genetics/Laboratory Corporation of America, LabCorp).

NM_000455.5(STK11):c.426C>T (p.Ser142=)

Gene: STK11 (serine/threonine kinase 11; plus strand). Cytogenetic location: 19p13.3.
Variant type: single nucleotide variant.
Coding change: c.426C>T on transcript NM_000455.5 (MANE Select); coding-DNA position 426, C replaced by T.
Protein change: p.Ser142=; no amino-acid change (serine 142 retained).
Molecular consequence: synonymous variant.
Genome position (GRCh38, 1-based): chr19:1,219,375, C>T. VCF-style: chr19-1219375-C-T. GRCh37 (hg19) VCF-style: chr19-1219374-C-T.
Identifiers: ClinVar variation 183890 (VCV000183890.44), dbSNP rs758448869, ClinGen allele CA022928.